The following is an entry in ClinVar:

NM_001382567.1(STIM1):c.1568-1G>T

Gene: STIM1 (stromal interaction molecule 1; plus strand). Cytogenetic location: 11p15.4.
Variant type: single nucleotide variant.
Coding change: c.1568-1G>T on transcript NM_001382567.1 (MANE Select); the canonical splice acceptor site of the intron before coding-DNA position 1568, G replaced by T.
Molecular consequence: splice acceptor variant.
Genome position (GRCh38, 1-based): chr11:4,086,476, G>T. VCF-style: chr11-4086476-G-T. GRCh37 (hg19) VCF-style: chr11-4107706-G-T.
Other names: c.1475-1G>T (NM_001277962.2, NM_003156.4, NM_001277961.3); c.1247-1G>T (NM_001382570.1); c.1340-1G>T (NM_001382569.1); c.995-1G>T (NM_001382571.1); c.1253-1G>T (NM_001382578.1, NM_001382575.1, NM_001382576.1 and 3 more transcripts); c.986-1G>T (NM_001382580.1, NM_001382581.1); c.1496-1G>T (NM_001382568.1).
Identifiers: ClinVar variation 2090235 (VCV002090235.4), dbSNP rs2498502151, ClinGen allele CA379194746.
Genomic context (GRCh38, chr11:4,086,476, plus strand): 5'-CCTTACCTGCCAGCCCAAAGTGGGCTGGCCCCTCCTGACACTTTCTTTATTCTCCTTGCA[G>T]CCCCTAGCCTGCAGAGCAGTGTTCGGCAGCGCCTGACGGAGCCACAGCATGGCCTGGGAT-3'

ClinVar aggregate classification (germline): Likely pathogenic (1 of 4 stars; one submission).

Conditions:
Stormorken syndrome (STRMK). Also called: THROMBOCYTOPATHY, ASPLENIA, AND MIOSIS. Identifiers: Orphanet 3204, MedGen C1861451, MONDO:0008497, OMIM 185070.
Myopathy with tubular aggregates (TAM). Also called: Tubular Aggregate Myopathy. Identifiers: Orphanet 2593, MedGen C0410207, MONDO:0008051.
Combined immunodeficiency due to STIM1 deficiency. Also called: IMMUNODEFICIENCY 10; STIM1 DEFICIENCY. Identifiers: Orphanet 169090, Orphanet 317430, MedGen C2748557, MONDO:0013008, OMIM 612783.

Submission:

Labcorp Genetics (formerly Invitae), Labcorp
Classification: Likely pathogenic for Myopathy with tubular aggregates; Combined immunodeficiency due to STIM1 deficiency; Stormorken syndrome. Last evaluated: 2025-11-24. Review status: criteria provided, single submitter. Criteria: Invitae Variant Classification Sherloc (09022015). Collection method: clinical testing. Allele origin: germline.
Comment: This sequence change affects an acceptor splice site in intron 10 of the STIM1 gene. It is expected to disrupt RNA splicing. Variants that disrupt the donor or acceptor splice site typically lead to a loss of protein function (PMID: 16199547), and loss-of-function variants in STIM1 are known to be pathogenic (PMID: 19420366, 20876309). This variant is not present in population databases (gnomAD no frequency). This variant has not been reported in the literature in individuals affected with STIM1-related conditions. ClinVar contains an entry for this variant (Variation ID: 2090235). Algorithms developed to predict the effect of sequence changes on RNA splicing suggest that this variant may disrupt the consensus splice site. In summary, the currently available evidence indicates that the variant is pathogenic, but additional data are needed to prove that conclusively. Therefore, this variant has been classified as Likely Pathogenic.

Literature cited by the submitters: PubMed 16199547; PubMed 19420366; PubMed 20876309.